The following is an entry in ClinVar:

ClinVar aggregate classification (germline): Uncertain significance (1 of 4 stars; one submission).

Conditions:
Juvenile polyposis syndrome (JPS). Identifiers: Orphanet 2929, MedGen C0345893, MONDO:0017380, OMIM 174900.

Submission:

Labcorp Genetics (formerly Invitae), Labcorp
Classification: Uncertain significance for Juvenile polyposis syndrome. Last evaluated: 2019-04-22. Review status: criteria provided, single submitter. Criteria: Invitae Variant Classification Sherloc (09022015). Collection method: clinical testing. Allele origin: germline.
Comment: This sequence change replaces serine with asparagine at codon 463 of the BMPR1A protein (p.Ser463Asn). The serine residue is weakly conserved and there is a small physicochemical difference between serine and asparagine. This variant is not present in population databases (ExAC no frequency). This variant has not been reported in the literature in individuals with BMPR1A-related conditions. Algorithms developed to predict the effect of missense changes on protein structure and function output the following: SIFT: "Tolerated"; PolyPhen-2: "Benign"; Align-GVGD: "Class C0". The asparagine amino acid residue is found in multiple mammalian species, suggesting that this missense change does not adversely affect protein function. These predictions have not been confirmed by published functional studies and their clinical significance is uncertain. In summary, the available evidence is currently insufficient to determine the role of this variant in disease. Therefore, it has been classified as a Variant of Uncertain Significance.

NM_004329.3(BMPR1A):c.1388G>A (p.Ser463Asn)

Gene: BMPR1A (bone morphogenetic protein receptor type 1A; plus strand). Cytogenetic location: 10q23.2.
Variant type: single nucleotide variant.
Coding change: c.1388G>A on transcript NM_004329.3 (MANE Select); coding-DNA position 1388, G replaced by A.
Protein change: p.Ser463Asn; replaces serine 463 with asparagine.
Molecular consequence: missense variant.
Genome position (GRCh38, 1-based): chr10:86,923,421, G>A. VCF-style: chr10-86923421-G-A. GRCh37 (hg19) VCF-style: chr10-88683178-G-A.
Other names: short protein forms S463N.
Identifiers: ClinVar variation 854431 (VCV000854431.10), dbSNP rs1843695402, ClinGen allele CA377462832.